The following is an entry in ClinVar:

ClinVar aggregate classification (germline): Conflicting classifications of pathogenicity. Review status: criteria provided, conflicting classifications (1 of 4 stars). 7 submissions from 7 submitters: Uncertain significance (1); Benign (3); Likely benign (2). 1 of the submissions does not count toward it. Last evaluated 2026-06-02.

Conditions:
BRCA2-related disorder. Also called: BRCA2-related condition; BRCA2-related disorders. Identifiers: MedGen CN239275.
Hereditary cancer-predisposing syndrome. Also called: Neoplastic Syndromes, Hereditary; Hereditary Cancer Syndrome; Hereditary neoplastic syndrome; Tumor predisposition. Identifiers: Orphanet 140162, MedGen C0027672, MeSH D009386, MONDO:0015356.
Inherited breast cancer and ovarian cancer.
Hereditary breast ovarian cancer syndrome. Also called: Hereditary breast and ovarian cancer syndrome; Hereditary breast and/or ovarian cancer syndrome; Hereditary breast and ovarian cancer syndrome (HBOC); BRCA1- and BRCA2-Associated Hereditary Breast and Ovarian Cancer; Hereditary breast and ovarian cancer; Breast and ovarian cancer. Identifiers: Orphanet 145, MedGen C0677776, MeSH D061325, MONDO:0003582. Disease mechanism: loss of function.

Allele frequency attached by ClinVar (database versions not stated): gnomAD exomes 0.00006; 1000 Genomes Project 30x 0.00031; 1000 Genomes Project 0.00040; ESP Exome Variant Server 0.00044; gnomAD 0.00060 and 0.00064; TOPMed 0.00070.
gnomAD v4.1: 169 of 1,375,538 alleles (0.012%); highest among the groups gnomAD compares: African/African-American, 0.19%; no homozygotes.

Submissions (7):

Cambridge Genomics Laboratory, East Genomic Laboratory Hub, NHS Genomic Medicine Service
Classification: Benign for Inherited breast cancer and ovarian cancer. Last evaluated: 2026-06-02. Review status: criteria provided, single submitter. Criteria: ACGS Best Practice Guidelines for Variant Classification in Rare Disease 2020. Collection method: clinical testing. Allele origin: germline. Affected: yes.
Comment: BP7

Labcorp Genetics (formerly Invitae), Labcorp
Classification: Benign for Hereditary breast ovarian cancer syndrome. Last evaluated: 2026-01-05. Review status: criteria provided, single submitter. Criteria: Invitae Variant Classification Sherloc (09022015). Collection method: clinical testing. Allele origin: germline.

Ambry Genetics
Classification: Benign for Hereditary cancer-predisposing syndrome. Last evaluated: 2025-03-21. Review status: criteria provided, single submitter. Criteria: Ambry Variant Classification Scheme 2023. Collection method: clinical testing. Allele origin: germline.

Sema4
Classification: Likely benign for Hereditary cancer-predisposing syndrome. Last evaluated: 2020-11-16. Review status: criteria provided, single submitter. Criteria: Sema4 Curation Guidelines. Collection method: curation. Allele origin: germline.

Eurofins Ntd Llc (ga)
Classification: Uncertain significance. Last evaluated: 2018-03-09. Review status: criteria provided, single submitter. Criteria: EGL ClinVar v180209 classification definitions. Collection method: clinical testing. Allele origin: germline. Observed: 1 variant allele, 1 heterozygote.

GeneDx
Classification: Likely benign. Last evaluated: 2018-02-28. Review status: criteria provided, single submitter. Criteria: GeneDx Variant Classification (06012015). Collection method: clinical testing. Allele origin: germline. Affected: yes.
Comment: This variant is considered likely benign or benign based on one or more of the following criteria: it is a conservative change, it occurs at a poorly conserved position in the protein, it is predicted to be benign by multiple in silico algorithms, and/or has population frequency not consistent with disease.

PreventionGenetics, part of Exact Sciences
Classification: Likely benign for BRCA2-related condition. Last evaluated: 2022-02-10. Review status: no assertion criteria provided. Collection method: clinical testing. Allele origin: germline. Not counted in ClinVar's aggregate classification.
Comment: This variant is classified as likely benign based on ACMG/AMP sequence variant interpretation guidelines (Richards et al. 2015 PMID: 25741868, with internal and published modifications).

NM_000059.4(BRCA2):c.7007+53G>A

Gene: BRCA2 (BRCA2 DNA repair associated; plus strand). Cytogenetic location: 13q13.1.
Variant type: single nucleotide variant.
Coding change: c.7007+53G>A on transcript NM_000059.4 (MANE Select); 53 bases into the intron after coding-DNA position 7007, G replaced by A.
Molecular consequence: intron variant.
Genome position (GRCh38, 1-based): chr13:32,346,949, G>A. VCF-style: chr13-32346949-G-A. GRCh37 (hg19) VCF-style: chr13-32921086-G-A.
Identifiers: ClinVar variation 516245 (VCV000516245.18), dbSNP rs56014558, ClinGen allele CA247519786.